The following is an entry in ClinVar:

ClinVar aggregate classification (germline): Uncertain significance (1 of 4 stars; one submission).

Conditions:
Inborn genetic diseases. Identifiers: MedGen C0950123, MeSH D030342.

Submission:

Ambry Genetics
Classification: Uncertain significance for Inborn genetic diseases. Last evaluated: 2026-07-11. Review status: criteria provided, single submitter. Criteria: Ambry Variant Classification Scheme 2023. Collection method: clinical testing. Allele origin: germline.
Comment: The p.V158G variant (also known as c.473T>G), located in coding exon 3 of the ERCC6L2 gene, results from a T to G substitution at nucleotide position 473. The valine at codon 158 is replaced by glycine, an amino acid with dissimilar properties. This amino acid position is conserved. In addition, this alteration is predicted to be deleterious by in silico analysis. Based on the available evidence, the clinical significance of this variant remains unclear.

NM_020207.7(ERCC6L2):c.473T>G (p.Val158Gly)

Gene: ERCC6L2 (ERCC excision repair 6 like 2; plus strand). Cytogenetic location: 9q22.32.
Variant type: single nucleotide variant.
Coding change: c.473T>G on transcript NM_020207.7 (MANE Select); coding-DNA position 473, T replaced by G.
Protein change: p.Val158Gly; replaces valine 158 with glycine.
Molecular consequence: missense variant. On other transcripts: non-coding transcript variant (1).
Genome position (GRCh38, 1-based): chr9:95,897,850, T>G. VCF-style: chr9-95897850-T-G. GRCh37 (hg19) VCF-style: chr9-98660132-T-G.
Other names: c.473T>G, p.Val158Gly (NM_001010895.4, NM_001375291.1, NM_001375292.1 and 2 more transcripts); short protein forms V158G.
Identifiers: ClinVar variation 5036076 (VCV005036076.1).